The following is an entry in ClinVar:

ClinVar aggregate classification (germline): Likely benign. Review status: criteria provided, single submitter (1 of 4 stars). 2 submissions from 2 submitters: Likely benign (1). 1 of the submissions does not count toward it. Last evaluated 2026-01-16.

Conditions:
Congenital prothrombin deficiency. Also called: Factor II deficiency; HYPOPROTHROMBINEMIA; Hereditary factor II deficiency disease; Inherited hypoprothrombinemia; Congenital factor II deficiency; Inherited prothrombin deficiency. Identifiers: Orphanet 325, MedGen C0272317, MONDO:0013361, OMIM 613679.
F2-related disorder. Also called: F2-related disorders; F2-related condition.

Allele frequency attached by ClinVar (database versions not stated): ExAC 0.00016; 1000 Genomes Project 30x 0.00094; 1000 Genomes Project 0.00100.
gnomAD v4.1: 60 of 1,613,900 alleles (0.0037%); highest among the groups gnomAD compares: East Asian, 0.13%; no homozygotes.

Submissions (2):

Labcorp Genetics (formerly Invitae), Labcorp
Classification: Likely benign for Congenital prothrombin deficiency. Last evaluated: 2026-01-16. Review status: criteria provided, single submitter. Criteria: Invitae Variant Classification Sherloc (09022015). Collection method: clinical testing. Allele origin: germline.

PreventionGenetics, part of Exact Sciences
Classification: Likely benign for F2-related condition. Last evaluated: 2023-07-28. Review status: no assertion criteria provided. Collection method: clinical testing. Allele origin: germline. Not counted in ClinVar's aggregate classification.
Comment: This variant is classified as likely benign based on ACMG/AMP sequence variant interpretation guidelines (Richards et al. 2015 PMID: 25741868, with internal and published modifications).

NM_000506.5(F2):c.648T>G (p.Asp216Glu)

Gene: F2 (coagulation factor II, thrombin; plus strand). Cytogenetic location: 11p11.2.
Variant type: single nucleotide variant.
Coding change: c.648T>G on transcript NM_000506.5 (MANE Select); coding-DNA position 648, T replaced by G.
Protein change: p.Asp216Glu; replaces aspartic acid 216 with glutamic acid.
Molecular consequence: missense variant.
Genome position (GRCh38, 1-based): chr11:46,725,947, T>G. VCF-style: chr11-46725947-T-G. GRCh37 (hg19) VCF-style: chr11-46747497-T-G.
Other names: short protein forms D216E.
Identifiers: ClinVar variation 2884634 (VCV002884634.5), dbSNP rs145352722, ClinGen allele CA5967030.